The following is an entry in ClinVar:

ClinVar aggregate classification (germline): Likely benign (1 of 4 stars; one submission).

Conditions:
Malignant hyperthermia, susceptibility to, 1 (MHS1). Also called: Anesthesia related hyperthermia; Malignant hyperpyrexia; Fulminating hyperpyrexia; Pharmacogenic myopathy; RYR1-Related Malignant Hyperthermia Susceptibility; Malignant hyperthermia suceptibility 1. Identifiers: Orphanet 423, MedGen C2930980, MONDO:0007783, OMIM 145600.

Submission:

All of Us Research Program, National Institutes of Health
Classification: Likely benign for Malignant hyperthermia, susceptibility to, 1. Last evaluated: 2023-10-02. Review status: criteria provided, single submitter. Criteria: ACMG Guidelines, 2015. Collection method: clinical testing. Allele origin: germline. Inheritance: Autosomal dominant inheritance. Observed: 1 variant allele, 1 heterozygote.
Comment: This study involves interpretation of variants in research participants for the purpose of population health screening. Participant phenotype was not available at the time of variant classification. Additional details can be found in publication PMID: 35346344, PMCID: PMC8962531

NM_000540.3(RYR1):c.7185A>G (p.Pro2395=)

Gene: RYR1 (ryanodine receptor 1; plus strand). Cytogenetic location: 19q13.2.
Variant type: single nucleotide variant.
Coding change: c.7185A>G on transcript NM_000540.3 (MANE Select); coding-DNA position 7185, A replaced by G.
Protein change: p.Pro2395=; no amino-acid change (proline 2395 retained).
Molecular consequence: synonymous variant.
Genome position (GRCh38, 1-based): chr19:38,499,792, A>G. VCF-style: chr19-38499792-A-G. GRCh37 (hg19) VCF-style: chr19-38990432-A-G.
Other names: c.7185A>G, p.Pro2395= (NM_001042723.2).
Identifiers: ClinVar variation 3073644 (VCV003073644.1), dbSNP rs2514313940, ClinGen allele CA507353914.
Genomic context (GRCh38, chr19:38,499,792, plus strand): 5'-GCTGCTGGCTGCCATCGAAGAGGCCATCCGCATCTCCGAGGACCCTGCGAGGGATGGCCC[A>G]GGCATCCGCAGGGACCGGCGGCGCGAGCAGTGAGTCTCCCGGCCCCCTCCTCAATAGGGC-3'
Protein context (NP_000531.2, residues 2385-2405): RISEDPARDG[Pro2395=]GIRRDRRREH